The following is an entry in ClinVar:

NM_004304.5(ALK):c.3743+217C>A

Gene: ALK (ALK receptor tyrosine kinase; minus strand). Cytogenetic location: 2p23.2.
Variant type: single nucleotide variant.
Coding change: c.3743+217C>A on transcript NM_004304.5 (MANE Select); 217 bases into the intron after coding-DNA position 3743, C replaced by A.
Molecular consequence: intron variant.
Genome position (GRCh38, 1-based): chr2:29,213,767, G>T on the plus strand (C>A on the coding strand, the complement: ALK is on the minus strand). VCF-style: chr2-29213767-G-T. GRCh37 (hg19) VCF-style: chr2-29436633-G-T.
Other names: NC_000002.11:g.29436633G>T; c.539+217C>A (NM_001353765.2).
Identifiers: ClinVar variation 676840 (VCV000676840.2), dbSNP rs1625283, ClinGen allele CA11005441.

ClinVar aggregate classification (germline): Benign (1 of 4 stars; one submission).

Allele frequency attached by ClinVar (database versions not stated): gnomAD 0.48924 and 0.49712; TOPMed 0.51445; 1000 Genomes Project 30x 0.60181; 1000 Genomes Project 0.60483.
gnomAD v4.1: 75,711 of 151,972 alleles (50%); highest among the groups gnomAD compares: East Asian, 89%; 19,647 homozygotes.

Submissions (6):

GeneDx
Classification: Benign. Last evaluated: 2018-06-18. Review status: criteria provided, single submitter. Criteria: GeneDx Variant Classification (06012015). Collection method: clinical testing. Allele origin: germline. Affected: yes.
Comment: This variant is considered likely benign or benign based on one or more of the following criteria: it is a conservative change, it occurs at a poorly conserved position in the protein, it is predicted to be benign by multiple in silico algorithms, and/or has population frequency not consistent with disease.

Dr. Peter K. Rogan Lab, Western University
No classification provided (evidence only). Condition: Malignant lymphoma, large B-cell, diffuse. Review status: no classification provided. Collection method: in vitro. Allele origin: not applicable. Functional consequence: retained intron. Not counted in ClinVar's aggregate classification.

Dr. Peter K. Rogan Lab, Western University
No classification provided (evidence only). Condition: Cholangiocarcinoma. Review status: no classification provided. Collection method: in vitro. Allele origin: not applicable. Functional consequence: retained intron. Not counted in ClinVar's aggregate classification.

Dr. Peter K. Rogan Lab, Western University
No classification provided (evidence only). Condition: Cholangiocarcinoma. Review status: no classification provided. Collection method: in vitro. Allele origin: not applicable. Functional consequence: retained intron. Not counted in ClinVar's aggregate classification.

Dr. Peter K. Rogan Lab, Western University
No classification provided (evidence only). Condition: Gastric cancer. Review status: no classification provided. Collection method: in vitro. Allele origin: not applicable. Functional consequence: retained intron. Not counted in ClinVar's aggregate classification.

Dr. Peter K. Rogan Lab, Western University
No classification provided (evidence only). Condition: Gastric cancer. Review status: no classification provided. Collection method: in vitro. Allele origin: not applicable. Functional consequence: retained intron. Not counted in ClinVar's aggregate classification.